The following is an entry in ClinVar:

NM_001367624.2(ZNF469):c.491C>T (p.Pro164Leu)

Gene: ZNF469 (zinc finger protein 469; plus strand). Cytogenetic location: 16q24.2.
Variant type: single nucleotide variant.
Coding change: c.491C>T on transcript NM_001367624.2 (MANE Select); coding-DNA position 491, C replaced by T.
Protein change: p.Pro164Leu; replaces proline 164 with leucine.
Molecular consequence: missense variant.
Genome position (GRCh38, 1-based): chr16:88,427,961, C>T. VCF-style: chr16-88427961-C-T. GRCh37 (hg19) VCF-style: chr16-88494369-C-T.
Other names: NM_001127464.1:c.491C>T; short protein forms P164L.
Identifiers: ClinVar variation 1218796 (VCV001218796.14), dbSNP rs755989926, ClinGen allele CA8224592.

ClinVar aggregate classification (germline): Conflicting classifications of pathogenicity. Review status: criteria provided, conflicting classifications (1 of 4 stars). 4 submissions from 4 submitters: Uncertain significance (3); Likely benign (1). Last evaluated 2026-03-01.

Conditions:
Cardiovascular phenotype. Identifiers: MedGen CN230736.

Allele frequency attached by ClinVar (database versions not stated): TOPMed 0.00001; gnomAD 0.00004; gnomAD exomes 0.00004; ExAC 0.00007; 1000 Genomes Project 30x 0.00016.
gnomAD v4.1: 64 of 1,549,970 alleles (0.0041%); highest among the groups gnomAD compares: Non-Finnish European, 0.0049%; no homozygotes.

Submissions (4):

CeGaT Center for Human Genetics Tuebingen
Classification: Uncertain significance. Last evaluated: 2026-03-01. Review status: criteria provided, single submitter. Criteria: CeGaT Center For Human Genetics Tuebingen Variant Classification Criteria Version 2. Collection method: clinical testing. Allele origin: germline. Affected: yes. Observed: 1 variant allele.
Comment: ZNF469: PM2, BP4

Labcorp Genetics (formerly Invitae), Labcorp
Classification: Uncertain significance. Last evaluated: 2025-10-07. Review status: criteria provided, single submitter. Criteria: Invitae Variant Classification Sherloc (09022015). Collection method: clinical testing. Allele origin: germline.
Comment: This sequence change replaces proline, which is neutral and non-polar, with leucine, which is neutral and non-polar, at codon 164 of the ZNF469 protein (p.Pro164Leu). This variant is present in population databases (rs755989926, gnomAD 0.006%). This variant has not been reported in the literature in individuals affected with ZNF469-related conditions. ClinVar contains an entry for this variant (Variation ID: 1218796). An algorithm developed to predict the effect of missense changes on protein structure and function (PolyPhen-2) suggests that this variant is likely to be disruptive. In summary, the available evidence is currently insufficient to determine the role of this variant in disease. Therefore, it has been classified as a Variant of Uncertain Significance.

Ambry Genetics
Classification: Likely benign for Cardiovascular phenotype. Last evaluated: 2024-07-01. Review status: criteria provided, single submitter. Criteria: Ambry Variant Classification Scheme 2023. Collection method: clinical testing. Allele origin: germline.

GeneDx
Classification: Uncertain significance. Last evaluated: 2021-05-14. Review status: criteria provided, single submitter. Criteria: GeneDx Variant Classification Process June 2021. Collection method: clinical testing. Allele origin: germline. Affected: yes.
Comment: Not observed at a significant frequency in large population cohorts (Lek et al., 2016); In silico analysis, which includes protein predictors and evolutionary conservation, supports a deleterious effect; Has not been previously published as pathogenic or benign to our knowledge